The following is an entry in ClinVar:

NM_006929.5(SKIC2):c.1651C>T (p.Arg551Cys)

Gene: SKIC2 (SKI2 subunit of superkiller complex; plus strand). Cytogenetic location: 6p21.33.
Variant type: single nucleotide variant.
Coding change: c.1651C>T on transcript NM_006929.5 (MANE Select); coding-DNA position 1651, C replaced by T.
Protein change: p.Arg551Cys; replaces arginine 551 with cysteine.
Molecular consequence: missense variant.
Genome position (GRCh38, 1-based): chr6:31,963,916, C>T. VCF-style: chr6-31963916-C-T. GRCh37 (hg19) VCF-style: chr6-31931693-C-T.
Other names: short protein forms R551C.
Identifiers: ClinVar variation 907353 (VCV000907353.7), dbSNP rs775680687, ClinGen allele CA3729549.
Genomic context (GRCh38, chr6:31,963,916, plus strand): 5'-CTCTCATTGGTTCAGGAACTCAACCTCTGCTCCTTCCCCTTCCCCTTCCTTCTCCAGGAC[C>T]GCGGAGTGTACCTGTCCCTCCTGGCCTCCCTCCGCACACGTGCCCAGTTGCCCGTGGTGG-3'
Protein context (NP_008860.4, residues 541-561): PTHQGGPAQD[Arg551Cys]GVYLSLLASL

ClinVar aggregate classification (germline): Uncertain significance. Review status: criteria provided, multiple submitters, no conflicts (2 of 4 stars). 3 submissions from 3 submitters: Uncertain significance (3). Last evaluated 2024-07-31.

Conditions:
Trichohepatoenteric syndrome 2 (THES2). Identifiers: Orphanet 84064, MedGen C3281289, MONDO:0013818, OMIM 614602.
Inborn genetic diseases. Identifiers: MedGen C0950123, MeSH D030342.

Allele frequency attached by ClinVar (database versions not stated): TOPMed 0.00014; ExAC 0.00022.
gnomAD v4.1: 130 of 1,609,620 alleles (0.0081%); highest among the groups gnomAD compares: Admixed American, 0.11%; no homozygotes.

Submissions (3):

Ambry Genetics
Classification: Uncertain significance for Inborn genetic diseases. Last evaluated: 2024-07-31. Review status: criteria provided, single submitter. Criteria: Ambry Variant Classification Scheme 2023. Collection method: clinical testing. Allele origin: germline.

Labcorp Genetics (formerly Invitae), Labcorp
Classification: Uncertain significance. Last evaluated: 2022-04-13. Review status: criteria provided, single submitter. Criteria: Invitae Variant Classification Sherloc (09022015). Collection method: clinical testing. Allele origin: germline.
Comment: This sequence change replaces arginine, which is basic and polar, with cysteine, which is neutral and slightly polar, at codon 551 of the SKIV2L protein (p.Arg551Cys). This variant is present in population databases (rs775680687, gnomAD 0.1%). This variant has not been reported in the literature in individuals affected with SKIV2L-related conditions. ClinVar contains an entry for this variant (Variation ID: 907353). Algorithms developed to predict the effect of missense changes on protein structure and function are either unavailable or do not agree on the potential impact of this missense change (SIFT: "Deleterious"; PolyPhen-2: "Possibly Damaging"; Align-GVGD: "Class C0"). In summary, the available evidence is currently insufficient to determine the role of this variant in disease. Therefore, it has been classified as a Variant of Uncertain Significance.

Illumina Laboratory Services, Illumina
Classification: Uncertain significance for Trichohepatoenteric syndrome 2. Last evaluated: 2018-01-13. Review status: criteria provided, single submitter. Criteria: ICSL Variant Classification Criteria 13 December 2019. Collection method: clinical testing. Allele origin: germline.